The following is an entry in ClinVar:

ClinVar aggregate classification (germline): Uncertain significance (1 of 4 stars; one submission).

gnomAD v4.1: 1 of 1,613,968 alleles (0.000062%); highest among the groups gnomAD compares: Non-Finnish European, 0.000085%; no homozygotes.

Submission:

Labcorp Genetics (formerly Invitae), Labcorp
Classification: Uncertain significance. Last evaluated: 2025-07-30. Review status: criteria provided, single submitter. Criteria: Invitae Variant Classification Sherloc (09022015). Collection method: clinical testing. Allele origin: germline.
Comment: This sequence change replaces isoleucine, which is neutral and non-polar, with valine, which is neutral and non-polar, at codon 767 of the CYFIP2 protein (p.Ile767Val). This variant is not present in population databases (gnomAD no frequency). This variant has not been reported in the literature in individuals affected with CYFIP2-related conditions. Experimental studies and prediction algorithms are not available or were not evaluated, and the functional significance of this variant is currently unknown. In summary, the available evidence is currently insufficient to determine the role of this variant in disease. Therefore, it has been classified as a Variant of Uncertain Significance.

NM_001037333.3(CYFIP2):c.2299A>G (p.Ile767Val)

Gene: CYFIP2 (cytoplasmic FMR1 interacting protein 2; plus strand). Cytogenetic location: 5q33.3.
Variant type: single nucleotide variant.
Coding change: c.2299A>G on transcript NM_001037333.3 (MANE Select); coding-DNA position 2299, A replaced by G.
Protein change: p.Ile767Val; replaces isoleucine 767 with valine.
Molecular consequence: missense variant.
Genome position (GRCh38, 1-based): chr5:157,333,360, A>G. VCF-style: chr5-157333360-A-G. GRCh37 (hg19) VCF-style: chr5-156760368-A-G.
Other names: c.2221A>G, p.Ile741Val (NM_001291721.2); c.2374A>G, p.Ile792Val (NM_001291722.2); c.2299A>G, p.Ile767Val (NM_014376.4); short protein forms I741V, I767V, I792V.
Identifiers: ClinVar variation 4772027 (VCV004772027.1).